The following is an entry in ClinVar:

ClinVar aggregate classification (germline): Pathogenic/Likely pathogenic. Review status: criteria provided, multiple submitters, no conflicts (2 of 4 stars). 16 submissions from 15 submitters: Pathogenic (8); Likely pathogenic (1). 7 of the submissions do not count toward it. Last evaluated 2025-06-16.

Conditions:
BBS1-related disorder. Also called: BBS1-related condition.
Bardet-Biedl syndrome (BBS). Identifiers: Orphanet 110, MedGen C0752166, MONDO:0015229.
Bardet-Biedl syndrome 1 (BBS1). Identifiers: MedGen C2936862, MONDO:0008854, OMIM 209900. Disease mechanism: loss of function.
Retinitis pigmentosa (RP). Identifiers: Orphanet 791, MedGen C0035334, MeSH D012174, MONDO:0019200, OMIM 268000. Inheritance: Autosomal dominant, autosomal recessive and X linked inheritance.

Allele frequency attached by ClinVar (database versions not stated): TOPMed 0.00005.
gnomAD v4.1: 14 of 1,614,090 alleles (0.00087%); highest among the groups gnomAD compares: East Asian, 0.0067%; no homozygotes.

Submissions (16):

PreventionGenetics, part of Exact Sciences
Classification: Pathogenic for BBS1-related condition. Last evaluated: 2025-06-16. Review status: criteria provided, single submitter. Criteria: ACMG Guidelines, 2015. Collection method: clinical testing. Allele origin: germline.
Comment: The BBS1 c.1285C>T variant is predicted to result in premature protein termination (p.Arg429*). This variant has been reported in individuals with Bardet-Biedl syndrome (Beales et al. 2003. PubMed ID: 12677556; Hichri et al. 2005. PubMed ID: 15770229; Imhoff et al. 2011. PubMed ID: 20876674). This variant is reported in 0.0033% of alleles in individuals of South Asian descent in gnomAD. Nonsense variants in BBS1 are expected to be pathogenic. This variant is interpreted as pathogenic.

Natera, Inc.
Classification: Pathogenic for Bardet-Biedl syndrome type 1. Last evaluated: 2025-06-11. Review status: criteria provided, single submitter. Criteria: Natera Variant Classification Schema (03/2026). Collection method: clinical testing. Allele origin: germline.
Comment: The c.1285C>T variant in BBS1 is a nonsense variant predicted to introduce a stop codon at amino acid 429. This variant is expected to result in nonsense mediated decay, truncation, or a dysfunctional protein product. This variant is rare in the general population with a frequency below the threshold expected for the associated phenotype(s). This variant has been observed in one or more individuals affected with the associated recessive disease, as either homozygous or compound heterozygous with a second variant (PMID: 35112343, 32451492). Given the available evidence, this variant is classified as Pathogenic.

Labcorp Genetics (formerly Invitae), Labcorp
Classification: Pathogenic for Bardet-Biedl syndrome. Last evaluated: 2023-10-29. Review status: criteria provided, single submitter. Criteria: Invitae Variant Classification Sherloc (09022015). Collection method: clinical testing. Allele origin: germline.
Comment: This sequence change creates a premature translational stop signal (p.Arg429*) in the BBS1 gene. It is expected to result in an absent or disrupted protein product. Loss-of-function variants in BBS1 are known to be pathogenic (PMID: 12118255, 21520335, 27032803). This variant is present in population databases (rs768443448, gnomAD 0.003%). This premature translational stop signal has been observed in individual(s) with Bardet-Biedl syndrome (PMID: 12677556, 15770229, 20876674). ClinVar contains an entry for this variant (Variation ID: 188983). For these reasons, this variant has been classified as Pathogenic.

Revvity Omics, Revvity
Classification: Likely pathogenic for Bardet-Biedl syndrome 1. Last evaluated: 2022-03-22. Review status: criteria provided, single submitter. Criteria: ACMG Guidelines, 2015. Collection method: clinical testing. Allele origin: germline.

CeGaT Center for Human Genetics Tuebingen
Classification: Pathogenic. Last evaluated: 2021-09-01. Review status: criteria provided, single submitter. Criteria: CeGaT Center For Human Genetics Tuebingen Variant Classification Criteria Version 2. Collection method: clinical testing. Allele origin: germline. Affected: yes. Observed: 3 variant alleles.

Fulgent Genetics
Classification: Pathogenic for Bardet-Biedl syndrome 1. Last evaluated: 2021-06-30. Review status: criteria provided, single submitter. Criteria: ACMG Guidelines, 2015. Collection method: clinical testing. Allele origin: unknown.
Comment: This variant has been detected in individual(s) who were sent for testing of Renasight - kidney gene panel.

Women's Health and Genetics/Laboratory Corporation of America, LabCorp
Classification: Pathogenic for Bardet-Biedl syndrome. Last evaluated: 2021-05-10. Review status: criteria provided, single submitter. Criteria: LabCorp Variant Classification Summary - May 2015. Collection method: clinical testing. Allele origin: germline.
Comment: Variant summary: BBS1 c.1285C>T (p.Arg429X) results in a premature termination codon, predicted to cause a truncation of the encoded protein or absence of the protein due to nonsense mediated decay, which are commonly known mechanisms for disease. Truncations downstream of this position have been classified as pathogenic by our laboratory. The variant allele was found at a frequency of 1.2e-05 in 251846 control chromosomes. c.1285C>T has been reported in the literature in individuals affected with Bardet-Biedl Syndrome and in at-least one individual among a cohort of patients with Leber congenital amaurosis (example, Beales_2003, Hichri_2005, Surl_2020, Hirano_2020). These data indicate that the variant is likely to be associated with disease. To our knowledge, no experimental evidence demonstrating an impact on protein function has been reported. Four clinical diagnostic laboratories have submitted clinical-significance assessments for this variant to ClinVar after 2014 without evidence for independent evaluation. All laboratories classified the variant as pathogenic (n=3)/likely pathogenic (n=1). Based on the evidence outlined above, the variant was classified as pathogenic.

Institute of Human Genetics Munich, TUM University Hospital
Classification: Pathogenic for Bardet-Biedl syndrome 1. Last evaluated: 2018-01-25. Review status: criteria provided, single submitter. Criteria: Classification criteria August 2017. Collection method: clinical testing. Allele origin: inherited. Inheritance: Autosomal recessive inheritance. Affected: yes. Observed: 2 homozygotes.

Juno Genomics, Hangzhou Juno Genomics, Inc
Classification: Pathogenic for Bardet-Biedl syndrome 1. Review status: criteria provided, single submitter. Criteria: ACMG Guidelines, 2015. Collection method: clinical testing. Allele origin: germline.
Comment: Absent from controls (or at extremely low frequency if recessive) in Genome Aggregation Database.;Null variant in a gene where loss of function (LOF) is a known mechanism of disease.;For recessive disorders, detected in trans with a pathogenic variant.

Gen-Eye Clinic, Grow Research Laboratory, Narayana Nethralaya
Classification: Pathogenic for Retinitis pigmentosa. Last evaluated: 2025-07-15. Review status: no assertion criteria provided. Collection method: clinical testing. Allele origin: germline. Affected: yes. Not counted in ClinVar's aggregate classification.

Gharavi Laboratory, Columbia University
Classification: Pathogenic for Bardet-Biedl syndrome 1. Last evaluated: 2024-11-05. Review status: no assertion criteria provided. Criteria: ACMG Guidelines, 2015. Collection method: case-control. Allele origin: germline. Affected: yes. Not counted in ClinVar's aggregate classification.

Counsyl
Classification: Likely pathogenic for Bardet-Biedl syndrome. Last evaluated: 2014-09-24. Review status: no assertion criteria provided. Collection method: literature only. Allele origin: unknown. Inheritance: Autosomal recessive inheritance. Not counted in ClinVar's aggregate classification.

Counsyl
Classification: Likely pathogenic for Bardet-Biedl syndrome 1. Last evaluated: 2014-09-24. Review status: no assertion criteria provided. Collection method: clinical testing. Allele origin: unknown. Not counted in ClinVar's aggregate classification.

Clinical Genetics, Academic Medical Center
Classification: Likely pathogenic. Review status: no assertion criteria provided. Collection method: clinical testing. Allele origin: germline. Affected: yes. Study: VKGL Data-share Consensus. Not counted in ClinVar's aggregate classification.

Genome Diagnostics Laboratory, University Medical Center Utrecht
Classification: Pathogenic. Review status: no assertion criteria provided. Collection method: clinical testing. Allele origin: germline. Affected: yes. Study: VKGL Data-share Consensus. Not counted in ClinVar's aggregate classification.

Joint Genome Diagnostic Labs from Nijmegen and Maastricht, Radboudumc and MUMC+
Classification: Pathogenic. Review status: no assertion criteria provided. Collection method: clinical testing. Allele origin: germline. Affected: yes. Study: VKGL Data-share Consensus. Not counted in ClinVar's aggregate classification.

Literature cited by the submitters: PubMed 35112343 (cited by Natera, Inc.); PubMed 32451492 (cited by Natera, Inc. and Women's Health and Genetics/Laboratory Corporation of America, LabCorp); PubMed 12118255 (cited by Labcorp Genetics (formerly Invitae), Labcorp); PubMed 21520335 (cited by Labcorp Genetics (formerly Invitae), Labcorp); PubMed 27032803 (cited by Labcorp Genetics (formerly Invitae), Labcorp); PubMed 12677556 (cited by 3 submitters); PubMed 15770229 (cited by 4 submitters); PubMed 20876674 (cited by 3 submitters); PubMed 20177705 (cited by Women's Health and Genetics/Laboratory Corporation of America, LabCorp and Counsyl); PubMed 21517826 (cited by Women's Health and Genetics/Laboratory Corporation of America, LabCorp and Counsyl); PubMed 32165824 (cited by Women's Health and Genetics/Laboratory Corporation of America, LabCorp).

NM_024649.5(BBS1):c.1285C>T (p.Arg429Ter)

Genes: BBS1 (Bardet-Biedl syndrome 1; plus strand), ZDHHC24 (zDHHC palmitoyltransferase 24; minus strand). Cytogenetic location: 11q13.2.
Variant type: single nucleotide variant.
Coding change: c.1285C>T on transcript NM_024649.5 (MANE Select); coding-DNA position 1285, C replaced by T.
Protein change: p.Arg429Ter; replaces arginine 429 with a stop codon.
Molecular consequence: nonsense. On other transcripts: intron variant (1).
Genome position (GRCh38, 1-based): chr11:66,526,753, C>T. VCF-style: chr11-66526753-C-T. GRCh37 (hg19) VCF-style: chr11-66294224-C-T.
Other names: c.*21+183G>A (NM_001348571.2); short protein forms R429*.
Identifiers: ClinVar variation 188983 (VCV000188983.76), dbSNP rs768443448, ClinGen allele CA274213.
Genomic context (GRCh38, chr11:66,526,753, plus strand): 5'-GTAGAGGGAGGAAGTGAGGTGGGTCCCCCACCAGCCCAGGCCATGAAACTCAATGTGCCC[C>T]GAAAGACCCGGCTTTACGTGGATCAGACACTGCGAGAGCGGGAGGCTGGCACCGGTGAGC-3'